The following is an entry in ClinVar:

NM_005787.6(ALG3):c.1193C>T (p.Thr398Ile)

Gene: ALG3 (ALG3 alpha-1,3- mannosyltransferase; minus strand). Cytogenetic location: 3q27.1.
Variant type: single nucleotide variant.
Coding change: c.1193C>T on transcript NM_005787.6 (MANE Select); coding-DNA position 1193, C replaced by T.
Protein change: p.Thr398Ile; replaces threonine 398 with isoleucine.
Molecular consequence: missense variant. On other transcripts: non-coding transcript variant (2).
Genome position (GRCh38, 1-based): chr3:184,242,638, G>A on the plus strand (C>T on the coding strand, the complement: ALG3 is on the minus strand). VCF-style: chr3-184242638-G-A. GRCh37 (hg19) VCF-style: chr3-183960426-G-A.
Other names: c.1049C>T, p.Thr350Ile (NM_001006941.2); short protein forms T398I, T350I.
Identifiers: ClinVar variation 376767 (VCV000376767.3), dbSNP rs889118173, ClinGen allele CA16603160.
Genomic context (GRCh38, chr3:184,242,638, plus strand): 5'-AGCAGGATGACGGCATGGCATATGTGCAGGGCAGCAGAGCTGCAGGATGTGGAAGGGTAT[G>A]TGTTCCAGGAGAGCTCGATGAGCCCCAGCACCAACAACCTGGAGATGAGAAACAGGTTCC-3'
Protein context (NP_005778.1, residues 388-408): VLGLIELSWN[Thr398Ile]YPSTSCSSAA

ClinVar aggregate classification (germline): Uncertain significance (1 of 4 stars; one submission).

Allele frequency attached by ClinVar (database versions not stated): gnomAD exomes below 0.00001 and 0.00004; gnomAD 0.00001; TOPMed 0.00002.
gnomAD v4.1: 51 of 1,570,312 alleles (0.0032%); highest among the groups gnomAD compares: Non-Finnish European, 0.0044%; no homozygotes.

Submission:

Center for Pediatric Genomic Medicine, Children's Mercy Hospital and Clinics
Classification: Uncertain significance. Last evaluated: 2016-12-28. Review status: criteria provided, single submitter. Criteria: ACMG Guidelines, 2015. Collection method: clinical testing. Allele origin: germline.
ClinVar note: Converted during submission from Uncertain Significance to Uncertain significance.